The following is an entry in ClinVar:

NM_181303.2(NLGN3):c.178A>G (p.Ser60Gly)

Gene: NLGN3 (neuroligin 3; plus strand). Cytogenetic location: Xq13.1.
Variant type: single nucleotide variant.
Coding change: c.178A>G on transcript NM_181303.2 (MANE Select); coding-DNA position 178, A replaced by G.
Protein change: p.Ser60Gly; replaces serine 60 with glycine.
Molecular consequence: missense variant. On other transcripts: intron variant (1).
Genome position (GRCh38, 1-based): chrX:71,147,927, A>G. VCF-style: chrX-71147927-A-G. GRCh37 (hg19) VCF-style: chrX-70367777-A-G.
Other names: c.178A>G, p.Ser60Gly (NM_001166660.2, NM_018977.4); c.-38-136A>G (NM_001321276.2); short protein forms S60G.
Identifiers: ClinVar variation 2502772 (VCV002502772.1), dbSNP rs2092376672, ClinGen allele CA413547312.

ClinVar aggregate classification (germline): Uncertain significance (1 of 4 stars; one submission).

Allele frequency attached by ClinVar (database versions not stated): gnomAD exomes below 0.00001; TOPMed below 0.00001.
gnomAD v4.1: 1 of 1,209,761 alleles (0.000083%); highest among the groups gnomAD compares: Non-Finnish European, 0.00011%; no homozygotes.

Submission:

GeneDx
Classification: Uncertain significance. Last evaluated: 2022-11-21. Review status: criteria provided, single submitter. Criteria: GeneDx Variant Classification Process June 2021. Collection method: clinical testing. Allele origin: germline. Affected: yes.
Comment: Not observed at significant frequency in large population cohorts (gnomAD); In silico analysis supports that this missense variant does not alter protein structure/function; Has not been previously published as pathogenic or benign to our knowledge